The following is an entry in ClinVar:

ClinVar aggregate classification (germline): Uncertain significance (1 of 4 stars; one submission).

Conditions:
Hypertrophic cardiomyopathy 11. Also called: ACTC1-Related Familial Hypertrophic Cardiomyopathy. Identifiers: MedGen C2677506, MONDO:0012799, OMIM 612098.
Dilated cardiomyopathy 1R (CMD1R). Identifiers: Orphanet 154, Orphanet 54260, MedGen C3150681, MONDO:0013261, OMIM 613424.
Atrial septal defect 5 (ASD5). Identifiers: Orphanet 1478, MedGen C2748552, MONDO:0013011, OMIM 612794.

Submission:

Labcorp Genetics (formerly Invitae), Labcorp
Classification: Uncertain significance for Dilated cardiomyopathy 1R; Hypertrophic cardiomyopathy 11; Atrial septal defect 5. Last evaluated: 2018-10-23. Review status: criteria provided, single submitter. Criteria: Invitae Variant Classification Sherloc (09022015). Collection method: clinical testing. Allele origin: germline.
Comment: This variant has not been reported in the literature in individuals with ACTC1-related disease. This variant is not present in population databases (ExAC no frequency). Algorithms developed to predict the effect of missense changes on protein structure and function (SIFT, PolyPhen-2, Align-GVGD) all suggest that this variant is likely to be disruptive, but these predictions have not been confirmed by published functional studies and their clinical significance is uncertain. In summary, the available evidence is currently insufficient to determine the role of this variant in disease. Therefore, it has been classified as a Variant of Uncertain Significance. This sequence change replaces serine with alanine at codon 35 of the ACTC1 protein (p.Ser35Ala). The serine residue is highly conserved and there is a moderate physicochemical difference between serine and alanine.

NM_005159.5(ACTC1):c.103T>G (p.Ser35Ala)

Genes: GJD2-DT (GJD2 divergent transcript; plus strand), ACTC1 (actin alpha cardiac muscle 1; minus strand). Cytogenetic location: 15q14.
Variant type: single nucleotide variant.
Coding change: c.103T>G on transcript NM_005159.5 (MANE Select); coding-DNA position 103, T replaced by G.
Protein change: p.Ser35Ala; replaces serine 35 with alanine.
Molecular consequence: missense variant.
Genome position (GRCh38, 1-based): chr15:34,794,706, A>C on the plus strand (T>G on the coding strand, the complement: ACTC1 is on the minus strand). VCF-style: chr15-34794706-A-C. GRCh37 (hg19) VCF-style: chr15-35086907-A-C.
Other names: c.103T>G (LRG_388t1); short protein forms S35A.
Identifiers: ClinVar variation 642074 (VCV000642074.8), dbSNP rs1595761987, ClinGen allele CA391633101.